The following is an entry in ClinVar:

NM_003193.5(TBCE):c.569A>C (p.Lys190Thr)

Gene: TBCE (tubulin folding cofactor E; plus strand). Cytogenetic location: 1q42.3.
Variant type: single nucleotide variant.
Coding change: c.569A>C on transcript NM_003193.5 (MANE Select); coding-DNA position 569, A replaced by C.
Protein change: p.Lys190Thr; replaces lysine 190 with threonine.
Molecular consequence: missense variant.
Genome position (GRCh38, 1-based): chr1:235,430,713, A>C. VCF-style: chr1-235430713-A-C. GRCh37 (hg19) VCF-style: chr1-235594028-A-C.
Other names: c.569A>C (NM_001287801.1, NM_003193.3, NM_003193.4); c.569A>C, p.Lys190Thr (NM_001079515.3, NM_001287801.2); c.230A>C, p.Lys77Thr (NM_001287802.2); short protein forms K77T, K190T.
Identifiers: ClinVar variation 1046948 (VCV001046948.7), dbSNP rs150592371, ClinGen allele CA1464084.

ClinVar aggregate classification (germline): Uncertain significance. Review status: criteria provided, multiple submitters, no conflicts (2 of 4 stars). 6 submissions from 6 submitters: Uncertain significance (3). 3 of the submissions do not count toward it. Last evaluated 2025-05-12.

Conditions:
TBCE-related disorder. Also called: TBCE-related disorders; TBCE-related condition.
Inborn genetic diseases. Identifiers: MedGen C0950123, MeSH D030342.

Allele frequency attached by ClinVar (database versions not stated): 1000 Genomes Project 30x 0.00016; 1000 Genomes Project 0.00020; TOPMed 0.00024; ESP Exome Variant Server 0.00038.
gnomAD v4.1: 725 of 1,612,486 alleles (0.045%); highest among the groups gnomAD compares: Non-Finnish European, 0.056%; no homozygotes.

Submissions (6):

GeneDx
Classification: Uncertain significance. Last evaluated: 2025-05-12. Review status: criteria provided, single submitter. Criteria: GeneDx Variant Classification Process June 2021. Collection method: clinical testing. Allele origin: germline.
Comment: In silico analysis supports that this missense variant has a deleterious effect on protein structure/function; Has not been previously published as pathogenic or benign to our knowledge

Ambry Genetics
Classification: Uncertain significance for Inborn genetic diseases. Last evaluated: 2024-02-05. Review status: criteria provided, single submitter. Criteria: Ambry Variant Classification Scheme 2023. Collection method: clinical testing. Allele origin: germline.

Labcorp Genetics (formerly Invitae), Labcorp
Classification: Uncertain significance. Last evaluated: 2022-09-01. Review status: criteria provided, single submitter. Criteria: Invitae Variant Classification Sherloc (09022015). Collection method: clinical testing. Allele origin: germline.
Comment: This sequence change replaces lysine, which is basic and polar, with threonine, which is neutral and polar, at codon 190 of the TBCE protein (p.Lys190Thr). This variant is present in population databases (rs150592371, gnomAD 0.06%). This variant has not been reported in the literature in individuals affected with TBCE-related conditions. ClinVar contains an entry for this variant (Variation ID: 1046948). Algorithms developed to predict the effect of missense changes on protein structure and function (SIFT, PolyPhen-2, Align-GVGD) all suggest that this variant is likely to be disruptive. In summary, the available evidence is currently insufficient to determine the role of this variant in disease. Therefore, it has been classified as a Variant of Uncertain Significance.

PreventionGenetics, part of Exact Sciences
Classification: Uncertain significance for TBCE-related condition. Last evaluated: 2024-07-15. Review status: no assertion criteria provided. Collection method: clinical testing. Allele origin: germline. Not counted in ClinVar's aggregate classification.
Comment: The TBCE c.569A>C variant is predicted to result in the amino acid substitution p.Lys190Thr. To our knowledge, this variant has not been reported in the literature. This variant is reported in 0.060% of alleles in individuals of European (non-Finnish) descent in gnomAD. Although we suspect that this variant may be benign, at this time, the clinical significance of this variant is uncertain due to the absence of conclusive functional and genetic evidence.

Clinical Genetics, Academic Medical Center
Classification: Uncertain significance. Review status: no assertion criteria provided. Collection method: clinical testing. Allele origin: germline. Affected: yes. Study: VKGL Data-share Consensus. Not counted in ClinVar's aggregate classification.

Genome Diagnostics Laboratory, University Medical Center Utrecht
Classification: Uncertain significance. Review status: no assertion criteria provided. Collection method: clinical testing. Allele origin: germline. Affected: yes. Study: VKGL Data-share Consensus. Not counted in ClinVar's aggregate classification.